The following is an entry in ClinVar:

NM_000384.3(APOB):c.13130T>C (p.Ile4377Thr)

Gene: APOB (apolipoprotein B; minus strand). Cytogenetic location: 2p24.1.
Variant type: single nucleotide variant.
Coding change: c.13130T>C on transcript NM_000384.3 (MANE Select); coding-DNA position 13130, T replaced by C.
Protein change: p.Ile4377Thr; replaces isoleucine 4377 with threonine.
Molecular consequence: missense variant.
Genome position (GRCh38, 1-based): chr2:21,002,292, A>G on the plus strand (T>C on the coding strand, the complement: APOB is on the minus strand). VCF-style: chr2-21002292-A-G. GRCh37 (hg19) VCF-style: chr2-21225164-A-G.
Other names: p.Ile4377Thr; short protein forms I4377T.
Identifiers: ClinVar variation 920526 (VCV000920526.14), dbSNP rs778174655, ClinGen allele CA051941.

ClinVar aggregate classification (germline): Conflicting classifications of pathogenicity. Review status: criteria provided, conflicting classifications (1 of 4 stars). 5 submissions from 5 submitters: Uncertain significance (3); Likely benign (2). Last evaluated 2026-02-24.

Conditions:
Cardiovascular phenotype. Identifiers: MedGen CN230736.
Familial hypobetalipoproteinemia 1. Also called: Hypobetalipoproteinemia, normotriglyceridemic; Acanthocytosis with hypobetalipoproteinemia; APOB-Related Familial Hypobetalipoproteinemia. Identifiers: MedGen C4551990, MONDO:0014252, OMIM 615558.
Hypercholesterolemia, autosomal dominant, type B (FHCL2). Also called: Familial Hypercholesterolemia Type B; Familial hypercholesterolemia 2; Hyperlipoproteinemia Type IIb; HYPERCHOLESTEROLEMIA, FAMILIAL, DUE TO LIGAND-DEFECTIVE APOLIPOPROTEIN B; APOLIPOPROTEIN B-100, FAMILIAL DEFECTIVE; APOLIPOPROTEIN B-100, FAMILIAL LIGAND-DEFECTIVE. Identifiers: MedGen C1704417, MONDO:0007751, OMIM 144010.

Allele frequency attached by ClinVar (database versions not stated): gnomAD 0.00002; ExAC 0.00003; gnomAD exomes 0.00003; TOPMed 0.00003.
gnomAD v4.1: 57 of 1,613,820 alleles (0.0035%); highest among the groups gnomAD compares: Non-Finnish European, 0.0044%; no homozygotes.

Submissions (5):

Ambry Genetics
Classification: Uncertain significance for Cardiovascular phenotype. Last evaluated: 2026-02-24. Review status: criteria provided, single submitter. Criteria: Ambry Variant Classification Scheme 2023. Collection method: clinical testing. Allele origin: germline.
Comment: The c.13130T>C (p.I4377T) alteration is located in exon 29 (coding exon 29) of the APOB gene. This alteration results from a T to C substitution at nucleotide position 13130, causing the isoleucine (I) at amino acid position 4377 to be replaced by a threonine (T). Based on data from gnomAD, the C allele has an overall frequency of 0.003% (8/250392) total alleles studied. The highest observed frequency was 0.007% (8/112916) of European (non-Finnish) alleles. Based on insufficient or conflicting evidence, the clinical significance of this alteration remains unclear.

Labcorp Genetics (formerly Invitae), Labcorp
Classification: Likely benign for Familial hypobetalipoproteinemia 1; Hypercholesterolemia, autosomal dominant, type B. Last evaluated: 2025-01-06. Review status: criteria provided, single submitter. Criteria: Invitae Variant Classification Sherloc (09022015). Collection method: clinical testing. Allele origin: germline.

Mayo Clinic Laboratories, Mayo Clinic
Classification: Uncertain significance. Last evaluated: 2024-11-11. Review status: criteria provided, single submitter. Criteria: ACMG Guidelines, 2015. Collection method: clinical testing. Allele origin: germline. Observed: 1 variant allele.
Comment: BP4

Blueprint Genetics
Classification: Likely benign. Last evaluated: 2022-05-27. Review status: criteria provided, single submitter. Criteria: ACMG Guidelines, 2015. Collection method: clinical testing. Allele origin: germline.

Fulgent Genetics
Classification: Uncertain significance for Hypercholesterolemia, autosomal dominant, type B; Familial hypobetalipoproteinemia 1. Last evaluated: 2021-08-10. Review status: criteria provided, single submitter. Criteria: ACMG Guidelines, 2015. Collection method: clinical testing. Allele origin: unknown.

Literature cited by the submitters: PubMed 18325181 (cited by Mayo Clinic Laboratories, Mayo Clinic); PubMed 20506408 (cited by Mayo Clinic Laboratories, Mayo Clinic); PubMed 35913489 (cited by Mayo Clinic Laboratories, Mayo Clinic).